The following is an entry in ClinVar:

NM_000303.3(PMM2):c.255+1G>A

Gene: PMM2 (phosphomannomutase 2; plus strand). Cytogenetic location: 16p13.2.
Variant type: single nucleotide variant.
Coding change: c.255+1G>A on transcript NM_000303.3 (MANE Select); the canonical splice donor site of the intron after coding-DNA position 255, G replaced by A.
Molecular consequence: splice donor variant.
Genome position (GRCh38, 1-based): chr16:8,804,844, G>A. VCF-style: chr16-8804844-G-A. GRCh37 (hg19) VCF-style: chr16-8898701-G-A.
Identifiers: ClinVar variation 417920 (VCV000417920.21), dbSNP rs1060499598, ClinGen allele CA16616930.

ClinVar aggregate classification (germline): Pathogenic/Likely pathogenic. Review status: criteria provided, multiple submitters, no conflicts (2 of 4 stars). 7 submissions from 7 submitters: Pathogenic (4); Likely pathogenic (2). 1 of the submissions does not count toward it. Last evaluated 2026-01-15.

Conditions:
PMM2-congenital disorder of glycosylation. Also called: Congenital disorder of glycosylation, type Ia; CDG Ia; JAEKEN SYNDROME; PHOSPHOMANNOMUTASE 2 DEFICIENCY; CARBOHYDRATE-DEFICIENT GLYCOPROTEIN SYNDROME, TYPE Ia; PMM2-CDG. Identifiers: Orphanet 79318, MedGen C0349653, MONDO:0008907, OMIM 212065.

Allele frequency attached by ClinVar (database versions not stated): gnomAD exomes 0.00001 and 0.00003; gnomAD 0.00002; TOPMed 0.00003.
gnomAD v4.1: 43 of 1,592,224 alleles (0.0027%); highest among the groups gnomAD compares: Non-Finnish European, 0.0035%; no homozygotes.

Submissions (7):

Natera, Inc.
Classification: Pathogenic for Congenital disorder of glycosylation type 1a. Last evaluated: 2026-01-15. Review status: criteria provided, single submitter. Criteria: Natera Variant Classification Schema (03/2026). Collection method: clinical testing. Allele origin: germline.
Comment: The c.255+1G>A variant in PMM2 is a canonical splice donor site variant predicted to affect pre-mRNA splicing, which may result in an abnormal transcript and altered protein product. This variant is expected to result in nonsense mediated decay, truncation, or a dysfunctional protein product. This variant is rare in the general population with a frequency below the threshold expected for the associated phenotype(s). This variant has been observed in one or more individuals affected with the associated recessive disease, as either homozygous or compound heterozygous with a second variant (PMID: 15844218). Given the available evidence, this variant is classified as Pathogenic.

Labcorp Genetics (formerly Invitae), Labcorp
Classification: Pathogenic for PMM2-congenital disorder of glycosylation. Last evaluated: 2025-06-29. Review status: criteria provided, single submitter. Criteria: Invitae Variant Classification Sherloc (09022015). Collection method: clinical testing. Allele origin: germline.
Comment: This sequence change affects a donor splice site in intron 3 of the PMM2 gene. It is expected to disrupt RNA splicing. Variants that disrupt the donor or acceptor splice site typically lead to a loss of protein function (PMID: 16199547), and loss-of-function variants in PMM2 are known to be pathogenic (PMID: 19862844). This variant is present in population databases (no rsID available, gnomAD 0.003%). Disruption of this splice site has been observed in individual(s) with congenital disorder of glycosylation I (PMID: 11156536, 15844218, 18948042, 23806237, 28373276). In at least one individual the data is consistent with being in trans (on the opposite chromosome) from a pathogenic variant. ClinVar contains an entry for this variant (Variation ID: 417920). Algorithms developed to predict the effect of sequence changes on RNA splicing suggest that this variant may disrupt the consensus splice site. For these reasons, this variant has been classified as Pathogenic.

GeneDx
Classification: Pathogenic. Last evaluated: 2024-05-02. Review status: criteria provided, single submitter. Criteria: GeneDx Variant Classification Process June 2021. Collection method: clinical testing. Allele origin: germline. Affected: yes.
Comment: Canonical splice site variant predicted to result in a null allele in a gene for which loss of function is a known mechanism of disease; Not observed at significant frequency in large population cohorts (gnomAD); This variant is associated with the following publications: (PMID: 34718612, 31980526, 37224763, 25525159, 30406445, 28373276, 34480478, 25497157, 15844218)

Fulgent Genetics
Classification: Pathogenic for PMM2-congenital disorder of glycosylation. Last evaluated: 2024-04-02. Review status: criteria provided, single submitter. Criteria: ACMG Guidelines, 2015. Collection method: clinical testing. Allele origin: germline.

Myriad Genetics, Inc.
Classification: Likely pathogenic for PMM2-congenital disorder of glycosylation. Last evaluated: 2021-11-03. Review status: criteria provided, single submitter. Criteria: Myriad Women's Health Autosomal Recessive and X-Linked Classification Criteria (2021). Collection method: clinical testing. Allele origin: unknown.
Comment: NM_000303.2(PMM2):c.255+1G>A is a canonical splice variant classified as likely pathogenic in the context of congenital disorder of glycosylation type Ia. c.255+1G>A has been observed in cases with relevant disease (PMID: 15844218). Functional assessments of this variant are available in the literature (PMID: 15844218). c.255+1G>A has been observed in population frequency databases (gnomAD: NFE 0.003%). In summary, NM_000303.2(PMM2):c.255+1G>A is a canonical splice variant in a gene where loss of function is a known mechanism of disease, is predicted to disrupt protein function, and has been observed more frequently in cases with the relevant disease than in healthy populations. Please note: this variant was assessed in the context of healthy population screening.

Women's Health and Genetics/Laboratory Corporation of America, LabCorp
Classification: Likely pathogenic for Carbohydrate-deficient glycoprotein syndrome type I. Last evaluated: 2018-05-21. Review status: criteria provided, single submitter. Criteria: LabCorp Variant Classification Summary - May 2015. Collection method: clinical testing. Allele origin: germline.
Comment: Variant summary: PMM2 c.255+1G>A is located in a canonical splice-site and is predicted to affect mRNA splicing resulting in a significantly altered protein due to either exon skipping, shortening, or inclusion of intronic material. Several computational tools predict a significant impact on normal splicing: Five predict the variant abolishes a 5' splicing donor site. However, these predictions have yet to be confirmed by functional studies. The variant allele was found at a frequency of 1.2e-05 in 246154 control chromosomes. This frequency is not higher than expected for a pathogenic variant in PMM2 causing Congenital Disorder of Glycosylation Type 1a (1.2e-05 vs 0.0056), allowing no conclusion about variant significance. c.255+1G>A has been reported in the literature in at least one individual affected with Congenital Disorder of Glycosylation Type 1a. To our knowledge, no experimental evidence demonstrating an impact on protein function has been reported. One clinical diagnostic laboratory has submitted clinical-significance assessments for this variant to ClinVar after 2014 and classified the variant as pathogenic. Based on the evidence outlined above, the variant was classified as likely pathogenic.

Division of Human Genetics, Children's Hospital of Philadelphia
Classification: Pathogenic for PMM2-congenital disorder of glycosylation. Last evaluated: 2016-02-17. Review status: no assertion criteria provided. Collection method: research. Allele origin: germline. Study: CSER-PediSeq. Not counted in ClinVar's aggregate classification.

Literature cited by the submitters: PubMed 15844218 (cited by 4 submitters); PubMed 16199547 (cited by Labcorp Genetics (formerly Invitae), Labcorp); PubMed 19862844 (cited by Labcorp Genetics (formerly Invitae), Labcorp); PubMed 11156536 (cited by Labcorp Genetics (formerly Invitae), Labcorp); PubMed 18948042 (cited by Labcorp Genetics (formerly Invitae), Labcorp); PubMed 23806237 (cited by Labcorp Genetics (formerly Invitae), Labcorp); PubMed 28373276 (cited by Labcorp Genetics (formerly Invitae), Labcorp and Women's Health and Genetics/Laboratory Corporation of America, LabCorp); PubMed 25497157 (cited by Women's Health and Genetics/Laboratory Corporation of America, LabCorp).